The following is an entry in ClinVar:

NM_001354604.2(MITF):c.1545C>A (p.Ser515Arg)

Gene: MITF (melanocyte inducing transcription factor; plus strand). Cytogenetic location: 3p13.
Variant type: single nucleotide variant.
Coding change: c.1545C>A on transcript NM_001354604.2 (MANE Select); coding-DNA position 1545, C replaced by A.
Protein change: p.Ser515Arg; replaces serine 515 with arginine.
Molecular consequence: missense variant.
Genome position (GRCh38, 1-based): chr3:69,965,212, C>A. VCF-style: chr3-69965212-C-A. GRCh37 (hg19) VCF-style: chr3-70014363-C-A.
Other names: c.1224C>A, p.Ser408Arg (NM_000248.4); c.1371C>A, p.Ser457Arg (NM_001184967.2, NM_001354608.2); c.1542C>A, p.Ser514Arg (NM_001354605.2); c.1524C>A, p.Ser508Arg (NM_001354606.2, NM_006722.3); c.1476C>A, p.Ser492Arg (NM_001354607.2); c.1206C>A, p.Ser402Arg (NM_198158.3); c.1527C>A, p.Ser509Arg (NM_198159.3); c.1479C>A, p.Ser493Arg (NM_198177.3); and 1 more; short protein forms S346R, S408R, S402R, S457R, S492R, S508R, S509R, S493R.
Identifiers: ClinVar variation 2947582 (VCV002947582.3), dbSNP rs749872337, ClinGen allele CA353560058.

ClinVar aggregate classification (germline): Uncertain significance (1 of 4 stars; one submission).

Conditions:
Tietz syndrome (TADS). Also called: ALBINISM-DEAFNESS OF TIETZ; HYPOPIGMENTATION/DEAFNESS OF TIETZ; TIETZ ALBINISM-DEAFNESS SYNDROME. Identifiers: Orphanet 42665, MedGen C0391816, MONDO:0007077, OMIM 103500.
Waardenburg syndrome type 2A (WS2A). Also called: WAARDENBURG SYNDROME WITHOUT DYSTOPIA CANTHORUM. Identifiers: Orphanet 3440, MedGen C1860339, MONDO:0008671, OMIM 193510.
Melanoma, cutaneous malignant, susceptibility to, 8. Also called: MELANOMA AND RENAL CELL CARCINOMA, SUSCEPTIBILITY TO; Cutaneous malignant melanoma 8. Identifiers: Orphanet 293822, MedGen C3152204, MONDO:0013759, OMIM 614456.

Submission:

Labcorp Genetics (formerly Invitae), Labcorp
Classification: Uncertain significance for Melanoma, cutaneous malignant, susceptibility to, 8; Waardenburg syndrome type 2A; Tietz syndrome. Last evaluated: 2024-01-02. Review status: criteria provided, single submitter. Criteria: Invitae Variant Classification Sherloc (09022015). Collection method: clinical testing. Allele origin: germline.
Comment: This sequence change replaces serine, which is neutral and polar, with arginine, which is basic and polar, at codon 408 of the MITF protein (p.Ser408Arg). This variant is not present in population databases (gnomAD no frequency). This variant has not been reported in the literature in individuals affected with MITF-related conditions. Advanced modeling of protein sequence and biophysical properties (such as structural, functional, and spatial information, amino acid conservation, physicochemical variation, residue mobility, and thermodynamic stability) performed at Invitae indicates that this missense variant is expected to disrupt MITF protein function with a positive predictive value of 80%. In summary, the available evidence is currently insufficient to determine the role of this variant in disease. Therefore, it has been classified as a Variant of Uncertain Significance.